The following is an entry in ClinVar:

ClinVar aggregate classification (germline): Uncertain significance. Review status: reviewed by expert panel (3 of 4 stars). 3 submissions from 3 submitters: Uncertain significance (1). 2 of the submissions do not count toward it. Last evaluated 2025-01-15.

Conditions:
Hereditary thrombocytopenia and hematologic cancer predisposition syndrome. Identifiers: Orphanet 71290, MedGen CN281654, MONDO:0011071.
Inborn genetic diseases. Identifiers: MedGen C0950123, MeSH D030342.
Hereditary thrombocytopenia and hematological cancer predisposition syndrome associated with RUNX1. Also called: Familial Platelet Disorder with Propensity to Acute Myelogenous Leukemia; Familial thrombocytopenia with propensity to acute myelogenous leukemia; PLATELET DISORDER, ASPIRIN-LIKE; RUNX1 Familial Platelet Disorder with Associated Myeloid Malignancies. Identifiers: Orphanet 71290, MedGen C1832388, MeSH C563324, MONDO:0100083, OMIM 601399.

Allele frequency attached by ClinVar (database versions not stated): gnomAD exomes below 0.00001 and 0.00001; ExAC 0.00001; gnomAD 0.00001; 1000 Genomes Project 30x 0.00016; 1000 Genomes Project 0.00020.
gnomAD v4.1: 3 of 1,598,344 alleles (0.00019%); highest among the groups gnomAD compares: Admixed American, 0.005%; no homozygotes.

Submissions (3):

ClinGen Myeloid Malignancy Variant Curation Expert Panel
Classification: Uncertain significance for Hereditary thrombocytopenia and hematologic cancer predisposition syndrome. Last evaluated: 2025-01-15. Review status: reviewed by expert panel. Criteria: ClinGen MyeloMalig ACMG Specifications v2. Collection method: curation. Allele origin: germline. Inheritance: Autosomal dominant inheritance.
Comment: NM_001754.5(RUNX1):c.110G>T (p.Ser37Ile) is a missense variant which does not meet any ACMG/AMP criteria. In summary, the clinical significance of this variant is uncertain. ACMG/AMP criteria applied, as specified by the Myeloid Malignancy Variant Curation Expert Panel for RUNX1: None

Ambry Genetics
Classification: Uncertain significance for Inborn genetic diseases. Last evaluated: 2025-02-21. Review status: criteria provided, single submitter. Criteria: Ambry Variant Classification Scheme 2023. Collection method: clinical testing. Allele origin: germline. Not counted in ClinVar's aggregate classification.
Comment: The p.S37I variant (also known as c.110G>T), located in coding exon 3 of the RUNX1 gene, results from a G to T substitution at nucleotide position 110. The serine at codon 37 is replaced by isoleucine, an amino acid with dissimilar properties. This amino acid position is conserved. In addition, the in silico prediction for this alteration is inconclusive. Based on the available evidence, the clinical significance of this variant remains unclear.

Labcorp Genetics (formerly Invitae), Labcorp
Classification: Uncertain significance for Hereditary thrombocytopenia and hematological cancer predisposition syndrome associated with RUNX1. Last evaluated: 2023-02-24. Review status: criteria provided, single submitter. Criteria: Invitae Variant Classification Sherloc (09022015). Collection method: clinical testing. Allele origin: germline. Not counted in ClinVar's aggregate classification.
Comment: This variant is present in population databases (rs532264127, gnomAD 0.006%). This sequence change replaces serine, which is neutral and polar, with isoleucine, which is neutral and non-polar, at codon 37 of the RUNX1 protein (p.Ser37Ile). This variant has not been reported in the literature in individuals affected with RUNX1-related conditions. ClinVar contains an entry for this variant (Variation ID: 1396349). Advanced modeling of protein sequence and biophysical properties (such as structural, functional, and spatial information, amino acid conservation, physicochemical variation, residue mobility, and thermodynamic stability) has been performed at Invitae for this missense variant, however the output from this modeling did not meet the statistical confidence thresholds required to predict the impact of this variant on RUNX1 protein function. In summary, the available evidence is currently insufficient to determine the role of this variant in disease. Therefore, it has been classified as a Variant of Uncertain Significance.

NM_001754.5(RUNX1):c.110G>T (p.Ser37Ile)

Gene: RUNX1 (RUNX family transcription factor 1; minus strand). Cytogenetic location: 21q22.12.
Variant type: single nucleotide variant.
Coding change: c.110G>T on transcript NM_001754.5 (MANE Select); coding-DNA position 110, G replaced by T.
Protein change: p.Ser37Ile; replaces serine 37 with isoleucine.
Molecular consequence: missense variant.
Genome position (GRCh38, 1-based): chr21:34,887,084, C>A on the plus strand (G>T on the coding strand, the complement: RUNX1 is on the minus strand). VCF-style: chr21-34887084-C-A. GRCh37 (hg19) VCF-style: chr21-36259381-C-A.
Other names: NM_001754.5:c.110G>T; NM_001754.5(RUNX1):c.110G>T; p.Ser37Ile; c.110G>T (NM_001754.4); c.29G>T, p.Ser10Ile (NM_001001890.3, NM_001122607.2); short protein forms S10I, S37I.
Identifiers: ClinVar variation 1396349 (VCV001396349.12), dbSNP rs532264127, ClinGen allele CA10014591.